The following is an entry in ClinVar:

NM_198253.3(TERT):c.809dup (p.Cys271fs)

Gene: TERT (telomerase reverse transcriptase; minus strand). Cytogenetic location: 5p15.33.
Variant type: Duplication.
Coding change: c.809dup on transcript NM_198253.3 (MANE Select); coding-DNA position 809, one base duplicated (T; older notation c.809dupT).
Protein change: p.Cys271fs; shifts the reading frame from cysteine 271.
Molecular consequence: frameshift variant. On other transcripts: non-coding transcript variant (2).
Genome position (GRCh38, 1-based): chr5:1,294,077, A duplicated on the plus strand (T on the coding strand, the reverse complement: TERT is on the minus strand); the first of 3 consecutive A bases (chr5:1,294,077-1,294,079); duplicating any one gives the same sequence. VCF-style (leftmost placement, unchanged base first): chr5-1294076-G-GA. GRCh37 (hg19) VCF-style: chr5-1294191-G-GA.
Other names: c.809dup, p.Cys271fs (NM_001193376.3); c.807dup, p.Cys271Leufs (NM_003219.1); short protein forms C271fs.
Identifiers: ClinVar variation 1998799 (VCV001998799.4), dbSNP rs1751202314, ClinGen allele CA1522556923.

ClinVar aggregate classification (germline): Pathogenic (1 of 4 stars; one submission).

Conditions:
Dyskeratosis congenita, autosomal dominant 2. Identifiers: MedGen C3151443, MONDO:0013521, OMIM 613989.
Idiopathic Pulmonary Fibrosis. Also called: Idiopathic fibrosing alveolitis, chronic form; idiopathic fibrosing alveolitis. Identifiers: Orphanet 2032, MedGen C1800706, MeSH D054990, MONDO:0800504.

Submission:

Labcorp Genetics (formerly Invitae), Labcorp
Classification: Pathogenic for Dyskeratosis congenita, autosomal dominant 2; Idiopathic Pulmonary Fibrosis. Last evaluated: 2022-05-25. Review status: criteria provided, single submitter. Criteria: Invitae Variant Classification Sherloc (09022015). Collection method: clinical testing. Allele origin: germline.
Comment: For these reasons, this variant has been classified as Pathogenic. This variant has not been reported in the literature in individuals affected with TERT-related conditions. This variant is not present in population databases (gnomAD no frequency). This sequence change creates a premature translational stop signal (p.Cys271Leufs*268) in the TERT gene. It is expected to result in an absent or disrupted protein product. Loss-of-function variants in TERT are known to be pathogenic (PMID: 16247010, 17460043).

Literature cited by the submitters: PubMed 16247010; PubMed 17460043.